The following is an entry in ClinVar:

ClinVar aggregate classification (germline): Uncertain significance (1 of 4 stars; one submission).

Conditions:
Inborn genetic diseases. Identifiers: MedGen C0950123, MeSH D030342.

gnomAD v4.1: 4 of 1,614,178 alleles (0.00025%); highest among the groups gnomAD compares: Non-Finnish European, 0.00025%; no homozygotes.

Submission:

Ambry Genetics
Classification: Uncertain significance for Inborn genetic diseases. Last evaluated: 2025-04-20. Review status: criteria provided, single submitter. Criteria: Ambry Variant Classification Scheme 2023. Collection method: clinical testing. Allele origin: germline.
Comment: The p.S1014G variant (also known as c.3040A>G), located in coding exon 13 of the BMPR2 gene, results from an A to G substitution at nucleotide position 3040. The serine at codon 1014 is replaced by glycine, an amino acid with similar properties. This amino acid position is conserved. In addition, this alteration is predicted to be tolerated by in silico analysis. Based on the available evidence, the clinical significance of this variant remains unclear.

NM_001204.7(BMPR2):c.3040A>G (p.Ser1014Gly)

Gene: BMPR2 (bone morphogenetic protein receptor type 2; plus strand). Cytogenetic location: 2q33.2.
Variant type: single nucleotide variant.
Coding change: c.3040A>G on transcript NM_001204.7 (MANE Select); coding-DNA position 3040, A replaced by G.
Protein change: p.Ser1014Gly; replaces serine 1014 with glycine.
Molecular consequence: missense variant.
Genome position (GRCh38, 1-based): chr2:202,559,869, A>G. VCF-style: chr2-202559869-A-G. GRCh37 (hg19) VCF-style: chr2-203424592-A-G.
Other names: short protein forms S1014G.
Identifiers: ClinVar variation 3992129 (VCV003992129.1).